The following is an entry in ClinVar:

ClinVar aggregate classification (germline): Uncertain significance (1 of 4 stars; one submission).

Conditions:
Charcot-Marie-Tooth disease axonal type 2O. Also called: Charcot-Marie-Tooth disease, axonal, type 20; CHARCOT-MARIE-TOOTH NEUROPATHY, AXONAL, TYPE 2O; CHARCOT-MARIE-TOOTH DISEASE, AXONAL, AUTOSOMAL DOMINANT, TYPE 2O; Charcot-Marie-Tooth Neuropathy Type 2O. Identifiers: Orphanet 284232, MedGen C3280220, MONDO:0013644, OMIM 614228.

Submission:

Labcorp Genetics (formerly Invitae), Labcorp
Classification: Uncertain significance for Charcot-Marie-Tooth disease axonal type 2O. Last evaluated: 2024-07-19. Review status: criteria provided, single submitter. Criteria: Invitae Variant Classification Sherloc (09022015). Collection method: clinical testing. Allele origin: germline.
Comment: This sequence change replaces proline, which is neutral and non-polar, with leucine, which is neutral and non-polar, at codon 4632 of the DYNC1H1 protein (p.Pro4632Leu). This variant is not present in population databases (gnomAD no frequency). This variant has not been reported in the literature in individuals affected with DYNC1H1-related conditions. Advanced modeling of protein sequence and biophysical properties (such as structural, functional, and spatial information, amino acid conservation, physicochemical variation, residue mobility, and thermodynamic stability) performed at Invitae indicates that this missense variant is not expected to disrupt DYNC1H1 protein function with a negative predictive value of 95%. In summary, the available evidence is currently insufficient to determine the role of this variant in disease. Therefore, it has been classified as a Variant of Uncertain Significance.

NM_001376.5(DYNC1H1):c.13895C>T (p.Pro4632Leu)

Gene: DYNC1H1 (dynein cytoplasmic 1 heavy chain 1; plus strand). Cytogenetic location: 14q32.31.
Variant type: single nucleotide variant.
Coding change: c.13895C>T on transcript NM_001376.5 (MANE Select); coding-DNA position 13895, C replaced by T.
Protein change: p.Pro4632Leu; replaces proline 4632 with leucine.
Molecular consequence: missense variant.
Genome position (GRCh38, 1-based): chr14:102,050,517, C>T. VCF-style: chr14-102050517-C-T. GRCh37 (hg19) VCF-style: chr14-102516854-C-T.
Other names: short protein forms P4632L.
Identifiers: ClinVar variation 2693144 (VCV002693144.3), dbSNP rs1302206599, ClinGen allele CA391052565.